The following is an entry in ClinVar:

NM_017636.4(TRPM4):c.2749G>A (p.Gly917Arg)

Gene: TRPM4 (transient receptor potential cation channel subfamily M member 4; plus strand). Cytogenetic location: 19q13.33.
Variant type: single nucleotide variant.
Coding change: c.2749G>A on transcript NM_017636.4 (MANE Select); coding-DNA position 2749, G replaced by A.
Protein change: p.Gly917Arg; replaces glycine 917 with arginine.
Molecular consequence: missense variant.
Genome position (GRCh38, 1-based): chr19:49,200,403, G>A. VCF-style: chr19-49200403-G-A. GRCh37 (hg19) VCF-style: chr19-49703660-G-A.
Other names: c.2314G>A, p.Gly772Arg (NM_001195227.2); c.2404G>A, p.Gly802Arg (NM_001321281.2); c.1141G>A, p.Gly381Arg (NM_001321282.2); c.2227G>A, p.Gly743Arg (NM_001321283.2); c.1687G>A, p.Gly563Arg (NM_001321285.2); short protein forms G743R, G381R, G772R, G802R, G917R, G563R.
Identifiers: ClinVar variation 860939 (VCV000860939.13), dbSNP rs745340937, ClinGen allele CA9569633.

ClinVar aggregate classification (germline): Uncertain significance. Review status: criteria provided, multiple submitters, no conflicts (2 of 4 stars). 3 submissions from 3 submitters: Uncertain significance (3). Last evaluated 2024-08-28.

Conditions:
Cardiovascular phenotype. Identifiers: MedGen CN230736.
Progressive familial heart block type IB (PFHB1B). Identifiers: Orphanet 871, MedGen C1970298, MONDO:0011474, OMIM 604559.

Allele frequency attached by ClinVar (database versions not stated): gnomAD 0.00001; ExAC 0.00002; TOPMed 0.00002.

Submissions (3):

Labcorp Genetics (formerly Invitae), Labcorp
Classification: Uncertain significance for Progressive familial heart block type IB. Last evaluated: 2024-08-28. Review status: criteria provided, single submitter. Criteria: Invitae Variant Classification Sherloc (09022015). Collection method: clinical testing. Allele origin: germline.
Comment: This sequence change replaces glycine, which is neutral and non-polar, with arginine, which is basic and polar, at codon 917 of the TRPM4 protein (p.Gly917Arg). This variant is present in population databases (rs745340937, gnomAD 0.005%). This variant has not been reported in the literature in individuals affected with TRPM4-related conditions. ClinVar contains an entry for this variant (Variation ID: 860939). An algorithm developed to predict the effect of missense changes on protein structure and function (PolyPhen-2) suggests that this variant is likely to be disruptive. In summary, the available evidence is currently insufficient to determine the role of this variant in disease. Therefore, it has been classified as a Variant of Uncertain Significance.

Ambry Genetics
Classification: Uncertain significance for Cardiovascular phenotype. Last evaluated: 2024-01-11. Review status: criteria provided, single submitter. Criteria: Ambry Variant Classification Scheme 2023. Collection method: clinical testing. Allele origin: germline.
Comment: The p.G917R variant (also known as c.2749G>A), located in coding exon 18 of the TRPM4 gene, results from a G to A substitution at nucleotide position 2749. The glycine at codon 917 is replaced by arginine, an amino acid with dissimilar properties. This amino acid position is conserved. In addition, this alteration is predicted to be deleterious by in silico analysis. Since supporting evidence is limited at this time, the clinical significance of this alteration remains unclear.

GeneDx
Classification: Uncertain significance. Last evaluated: 2021-01-13. Review status: criteria provided, single submitter. Criteria: GeneDx Variant Classification Process June 2021. Collection method: clinical testing. Allele origin: germline. Affected: yes.
Comment: Has not been previously published as pathogenic or benign to our knowledge; Reported in ClinVar as a variant of uncertain significance (ClinVar Variant ID# 860939; Landrum et al., 2016); In silico analysis supports that this missense variant has a deleterious effect on protein structure/function